The following is an entry in ClinVar:

NM_001040142.2(SCN2A):c.3767A>G (p.Glu1256Gly)

Gene: SCN2A (sodium voltage-gated channel alpha subunit 2; plus strand). Cytogenetic location: 2q24.3.
Variant type: single nucleotide variant.
Coding change: c.3767A>G on transcript NM_001040142.2 (MANE Select); coding-DNA position 3767, A replaced by G.
Protein change: p.Glu1256Gly; replaces glutamic acid 1256 with glycine.
Molecular consequence: missense variant.
Genome position (GRCh38, 1-based): chr2:165,370,217, A>G. VCF-style: chr2-165370217-A-G. GRCh37 (hg19) VCF-style: chr2-166226727-A-G.
Other names: c.3767A>G, p.Glu1256Gly (NM_001040143.2, NM_001371246.1, NM_001371247.1 and 1 more transcripts); short protein forms E1256G.
Identifiers: ClinVar variation 2062021 (VCV002062021.4), dbSNP rs2468082200, ClinGen allele CA349028032.

ClinVar aggregate classification (germline): Uncertain significance (1 of 4 stars; one submission).

Conditions:
Developmental and epileptic encephalopathy, 11 (DEE11). Also called: Early infantile epileptic encephalopathy 11. Identifiers: Orphanet 1934, MedGen C3150987, MONDO:0013388, OMIM 613721.
Seizures, benign familial infantile, 3 (BFIS3). Also called: Familial neonatal seizures; CONVULSIONS, BENIGN FAMILIAL INFANTILE, 3. Identifiers: Orphanet 140927, Orphanet 306, MedGen C1843140, MONDO:0011904, OMIM 607745.

Submission:

Labcorp Genetics (formerly Invitae), Labcorp
Classification: Uncertain significance for Seizures, benign familial infantile, 3; Developmental and epileptic encephalopathy, 11. Last evaluated: 2021-12-27. Review status: criteria provided, single submitter. Criteria: Invitae Variant Classification Sherloc (09022015). Collection method: clinical testing. Allele origin: germline.
Comment: This sequence change replaces glutamic acid, which is acidic and polar, with glycine, which is neutral and non-polar, at codon 1256 of the SCN2A protein (p.Glu1256Gly). This variant is not present in population databases (gnomAD no frequency). This variant has not been reported in the literature in individuals affected with SCN2A-related conditions. Algorithms developed to predict the effect of missense changes on protein structure and function are either unavailable or do not agree on the potential impact of this missense change (SIFT: "Deleterious"; PolyPhen-2: "Probably Damaging"; Align-GVGD: "Class C0"). In summary, the available evidence is currently insufficient to determine the role of this variant in disease. Therefore, it has been classified as a Variant of Uncertain Significance.